The following is an entry in ClinVar:

NM_001384910.1(GUCA1A):c.464A>G (p.Glu155Gly)

Genes: GUCA1A (guanylate cyclase activator 1A; plus strand), GUCA1ANB-GUCA1A (GUCA1ANB-GUCA1A readthrough; plus strand). Cytogenetic location: 6p21.1.
Variant type: single nucleotide variant.
Coding change: c.464A>G on transcript NM_001384910.1 (MANE Select); coding-DNA position 464, A replaced by G.
Protein change: p.Glu155Gly; replaces glutamic acid 155 with glycine.
Molecular consequence: missense variant.
Genome position (GRCh38, 1-based): chr6:42,179,261, A>G. VCF-style: chr6-42179261-A-G. GRCh37 (hg19) VCF-style: chr6-42146999-A-G.
Other names: c.464A>G, p.Glu155Gly (NM_000409.5, NM_001319061.2, NM_001319062.2); short protein forms E155G.
Identifiers: ClinVar variation 974935 (VCV000974935.9), dbSNP rs1768050305, ClinGen allele CA364110172.

ClinVar aggregate classification (germline): Pathogenic. Review status: criteria provided, multiple submitters, no conflicts (2 of 4 stars). 3 submissions from 3 submitters: Pathogenic (3). Last evaluated 2025-09-02.

Conditions:
Cone dystrophy 3 (COD3). Also called: RETINAL CONE DYSTROPHY. Identifiers: Orphanet 1872, MedGen C1865869, MONDO:0011193, OMIM 602093.
GUCA1A-related disorders.

Submissions (3):

Labcorp Genetics (formerly Invitae), Labcorp
Classification: Pathogenic. Last evaluated: 2025-09-02. Review status: criteria provided, single submitter. Criteria: Invitae Variant Classification Sherloc (09022015). Collection method: clinical testing. Allele origin: germline.
Comment: This sequence change replaces glutamic acid, which is acidic and polar, with glycine, which is neutral and non-polar, at codon 155 of the GUCA1A protein (p.Glu155Gly). This variant is not present in population databases (gnomAD no frequency). This missense change has been observed in individuals with autosomal dominant cone dystrophy (PMID: 11484154, 28559085). It has also been observed to segregate with disease in related individuals. ClinVar contains an entry for this variant (Variation ID: 974935). An algorithm developed to predict the effect of missense changes on protein structure and function (PolyPhen-2) suggests that this variant is likely to be disruptive. Experimental studies have shown that this missense change affects GUCA1A function (PMID: 11484154). For these reasons, this variant has been classified as Pathogenic.

Blueprint Genetics
Classification: Pathogenic for GUCA1A-related disorders. Last evaluated: 2021-09-01. Review status: criteria provided, single submitter. Criteria: ACMG Guidelines, 2015. Collection method: clinical testing. Allele origin: germline. Affected: yes. Observed: 3 variant alleles.

SIB Swiss Institute of Bioinformatics
Classification: Pathogenic for Cone dystrophy 3. Last evaluated: 2020-06-05. Review status: criteria provided, single submitter. Criteria: ACMG Guidelines, 2015. Collection method: curation. Allele origin: unknown.
Comment: This variant is interpreted as pathogenic for Cone dystrophy 3, autosomal dominant. The following ACMG Tag(s) were applied: Absent from controls (or at extremely low frequency if recessive) in Exome Sequencing Project, 1000 Genomes Project, or Exome Aggregation Consortium (PM2); Located in a mutational hot spot and/or critical and well-established functional domain (e.g., active site of an enzyme) without benign variation (PM1); Multiple lines of computational evidence support a deleterious effect on the gene or gene product (PP3); Cosegregation with disease in multiple affected family members in a gene definitively known to cause the disease (PP1 upgraded to very strong); Well-established functional studies show a deleterious effect (PS3 downgraded to supporting).

Literature cited by the submitters: PubMed 11484154 (cited by Labcorp Genetics (formerly Invitae), Labcorp and SIB Swiss Institute of Bioinformatics); PubMed 28559085 (cited by Labcorp Genetics (formerly Invitae), Labcorp).